The following is an entry in ClinVar:

NM_006939.4(SOS2):c.3257C>T (p.Pro1086Leu)

Gene: SOS2 (SOS Ras/Rho guanine nucleotide exchange factor 2; minus strand). Cytogenetic location: 14q21.3.
Variant type: single nucleotide variant.
Coding change: c.3257C>T on transcript NM_006939.4 (MANE Select); coding-DNA position 3257, C replaced by T.
Protein change: p.Pro1086Leu; replaces proline 1086 with leucine.
Molecular consequence: missense variant.
Genome position (GRCh38, 1-based): chr14:50,130,581, G>A on the plus strand (C>T on the coding strand, the complement: SOS2 is on the minus strand). VCF-style: chr14-50130581-G-A. GRCh37 (hg19) VCF-style: chr14-50597299-G-A.
Other names: c.3257C>T (NM_006939.2); c.3158C>T, p.Pro1053Leu (NM_001411020.1); short protein forms P1086L, P1053L.
Identifiers: ClinVar variation 3720778 (VCV003720778.3).

ClinVar aggregate classification (germline): Uncertain significance. Review status: criteria provided, multiple submitters, no conflicts (2 of 4 stars). 2 submissions from 2 submitters: Uncertain significance (2). Last evaluated 2025-08-24.

Conditions:
Noonan syndrome 9 (NS9). Identifiers: Orphanet 648, MedGen C4225282, MONDO:0014691, OMIM 616559.
Cardiovascular phenotype. Identifiers: MedGen CN230736.

Submissions (2):

Ambry Genetics
Classification: Uncertain significance for Cardiovascular phenotype. Last evaluated: 2025-08-24. Review status: criteria provided, single submitter. Criteria: Ambry Variant Classification Scheme 2023. Collection method: clinical testing. Allele origin: germline.
Comment: The p.P1086L variant (also known as c.3257C>T), located in coding exon 20 of the SOS2 gene, results from a C to T substitution at nucleotide position 3257. The proline at codon 1086 is replaced by leucine, an amino acid with similar properties. This amino acid position is conserved. In addition, the in silico prediction for this alteration is inconclusive. Based on the available evidence, the clinical significance of this variant remains unclear.

Labcorp Genetics (formerly Invitae), Labcorp
Classification: Uncertain significance for Noonan syndrome 9. Last evaluated: 2024-09-24. Review status: criteria provided, single submitter. Criteria: Invitae Variant Classification Sherloc (09022015). Collection method: clinical testing. Allele origin: germline.
Comment: This sequence change replaces proline, which is neutral and non-polar, with leucine, which is neutral and non-polar, at codon 1086 of the SOS2 protein (p.Pro1086Leu). This variant is not present in population databases (gnomAD no frequency). This variant has not been reported in the literature in individuals affected with SOS2-related conditions. Invitae Evidence Modeling of protein sequence and biophysical properties (such as structural, functional, and spatial information, amino acid conservation, physicochemical variation, residue mobility, and thermodynamic stability) indicates that this missense variant is not expected to disrupt SOS2 protein function with a negative predictive value of 80%. In summary, the available evidence is currently insufficient to determine the role of this variant in disease. Therefore, it has been classified as a Variant of Uncertain Significance.